The following is an entry in ClinVar:

NM_001089.3(ABCA3):c.2054T>C (p.Val685Ala)

Gene: ABCA3 (ATP binding cassette subfamily A member 3; minus strand). Cytogenetic location: 16p13.3.
Variant type: single nucleotide variant.
Coding change: c.2054T>C on transcript NM_001089.3 (MANE Select); coding-DNA position 2054, T replaced by C.
Protein change: p.Val685Ala; replaces valine 685 with alanine.
Molecular consequence: missense variant.
Genome position (GRCh38, 1-based): chr16:2,297,538, A>G on the plus strand (T>C on the coding strand, the complement: ABCA3 is on the minus strand). VCF-style: chr16-2297538-A-G. GRCh37 (hg19) VCF-style: chr16-2347539-A-G.
Other names: short protein forms V685A.
Identifiers: ClinVar variation 4692254 (VCV004692254.1).
Genomic context (GRCh38, chr16:2,297,538, plus strand): 5'-TCCCAGATGGCCCTCCTGGAGATGGCGTCCATGCCCGAGGTGGGCTCGTCCAGTATCAGC[A>G]CCTGGAGGGAGAGACACAGTCTCGCGACGCTGGTAGAGCCACACCCCGGGCCCAGGCTGG-3'
Protein context (NP_001080.2, residues 675-695): IGIALIAGSK[Val685Ala]LILDEPTSGM

ClinVar aggregate classification (germline): Uncertain significance (1 of 4 stars; one submission).

Submission:

Labcorp Genetics (formerly Invitae), Labcorp
Classification: Uncertain significance. Last evaluated: 2025-12-15. Review status: criteria provided, single submitter. Criteria: Invitae Variant Classification Sherloc (09022015). Collection method: clinical testing. Allele origin: germline.
Comment: This sequence change replaces valine, which is neutral and non-polar, with alanine, which is neutral and non-polar, at codon 685 of the ABCA3 protein (p.Val685Ala). This variant is not present in population databases (gnomAD no frequency). This variant has not been reported in the literature in individuals affected with ABCA3-related conditions. An algorithm developed to predict the effect of missense changes on protein structure and function (PolyPhen-2) suggests that this variant is likely to be disruptive. In summary, the available evidence is currently insufficient to determine the role of this variant in disease. Therefore, it has been classified as a Variant of Uncertain Significance.